The following is an entry in ClinVar:

ClinVar aggregate classification (germline): Uncertain significance (1 of 4 stars; one submission).

Conditions:
Leukocyte adhesion deficiency 1 (LAD1). Also called: LEUKOCYTE ADHESION DEFICIENCY, TYPE I; LAD 1; Lymphocyte function-associated antigen 1 immunodeficiency; LFA 1 immunodeficiency. Identifiers: Orphanet 2968, Orphanet 99842, MedGen C0398738, MONDO:0007293, OMIM 116920.

Allele frequency attached by ClinVar (database versions not stated): gnomAD exomes below 0.00001 and 0.00002; gnomAD 0.00001; TOPMed 0.00002.
gnomAD v4.1: 32 of 1,612,520 alleles (0.002%); highest among the groups gnomAD compares: African/African-American, 0.011%; no homozygotes.

Submission:

Labcorp Genetics (formerly Invitae), Labcorp
Classification: Uncertain significance for Leukocyte adhesion deficiency 1. Last evaluated: 2022-09-27. Review status: criteria provided, single submitter. Criteria: Invitae Variant Classification Sherloc (09022015). Collection method: clinical testing. Allele origin: germline.
Comment: This sequence change replaces arginine, which is basic and polar, with tryptophan, which is neutral and slightly polar, at codon 448 of the ITGB2 protein (p.Arg448Trp). The frequency data for this variant in the population databases is considered unreliable, as metrics indicate poor data quality at this position in the gnomAD database. This variant has not been reported in the literature in individuals affected with ITGB2-related conditions. ClinVar contains an entry for this variant (Variation ID: 1039164). Advanced modeling of protein sequence and biophysical properties (such as structural, functional, and spatial information, amino acid conservation, physicochemical variation, residue mobility, and thermodynamic stability) has been performed at Invitae for this missense variant, however the output from this modeling did not meet the statistical confidence thresholds required to predict the impact of this variant on ITGB2 protein function. In summary, the available evidence is currently insufficient to determine the role of this variant in disease. Therefore, it has been classified as a Variant of Uncertain Significance.

NM_000211.5(ITGB2):c.1342C>T (p.Arg448Trp)

Gene: ITGB2 (integrin subunit beta 2; minus strand). Cytogenetic location: 21q22.3.
Variant type: single nucleotide variant.
Coding change: c.1342C>T on transcript NM_000211.5 (MANE Select); coding-DNA position 1342, C replaced by T.
Protein change: p.Arg448Trp; replaces arginine 448 with tryptophan.
Molecular consequence: missense variant.
Genome position (GRCh38, 1-based): chr21:44,891,879, G>A on the plus strand (C>T on the coding strand, the complement: ITGB2 is on the minus strand). VCF-style: chr21-44891879-G-A. GRCh37 (hg19) VCF-style: chr21-46311794-G-A.
Other names: c.1342C>T, p.Arg448Trp (NM_001127491.3); c.1135C>T, p.Arg379Trp (NM_001303238.2); short protein forms R379W, R448W.
Identifiers: ClinVar variation 1039164 (VCV001039164.6), dbSNP rs532267693, ClinGen allele CA321895909.